The following is an entry in ClinVar:

ClinVar aggregate classification (germline): Pathogenic (1 of 4 stars; one submission).

Allele frequency attached by ClinVar (database versions not stated): gnomAD exomes 0.00002; ExAC 0.00004; gnomAD 0.00001.
gnomAD v4.1: 9 of 1,608,460 alleles (0.00056%); highest among the groups gnomAD compares: Non-Finnish European, 0.00068%; no homozygotes.

Submission:

GeneDx
Classification: Pathogenic. Last evaluated: 2017-03-14. Review status: criteria provided, single submitter. Criteria: GeneDx Variant Classification (06012015). Collection method: clinical testing. Allele origin: germline. Affected: yes.
Comment: The S91X nonsense variant in the LAMA3 gene is predicted to cause loss of normal protein function either through protein truncation or nonsense-mediated mRNA decay. Additionally, the S91X variant is not observed at a significant frequency in large population cohorts (Lek et al., 2016; 1000 Genomes Consortium et al., 2015; Exome Variant Server). Therefore, we interpret the S91X variant as pathogenic.

NM_198129.4(LAMA3):c.5099C>G (p.Ser1700Ter)

Gene: LAMA3 (laminin subunit alpha 3; plus strand). Cytogenetic location: 18q11.2.
Variant type: single nucleotide variant.
Coding change: c.5099C>G on transcript NM_198129.4 (MANE Select); coding-DNA position 5099, C replaced by G.
Protein change: p.Ser1700Ter; replaces serine 1700 with a stop codon.
Molecular consequence: nonsense.
Genome position (GRCh38, 1-based): chr18:23,876,394, C>G. VCF-style: chr18-23876394-C-G. GRCh37 (hg19) VCF-style: chr18-21456358-C-G.
Other names: c.272C>G, p.Ser91Ter (NM_000227.6, NM_001127718.4); c.5099C>G, p.Ser1700Ter (NM_001127717.4); short protein forms S1700*, S91*.
Identifiers: ClinVar variation 418280 (VCV000418280.2), dbSNP rs754323928, ClinGen allele CA8915884.